The following is an entry in ClinVar:

ClinVar aggregate classification (germline): Uncertain significance (1 of 4 stars; one submission).

Conditions:
MELAS syndrome (MELAS). Also called: Juvenile myopathy, encephalopathy, lactic acidosis, stroke. Identifiers: Orphanet 550, MedGen C0162671, MONDO:0010789, OMIM 540000.

Submission:

Wong Mito Lab, Molecular and Human Genetics, Baylor College of Medicine
Classification: Uncertain significance for MELAS syndrome. Last evaluated: 2019-07-12. Review status: criteria provided, single submitter. Criteria: Modified ACMG Guidelines (Unpublished). Collection method: clinical testing. Allele origin: germline.
Comment: The NC_012920.1:m.1638T>C variant in MT-TV gene is interpreted to be a Unknown Significance variant based on the modified ACMG guidelines (unpublished). This variant meets the following evidence codes reported in the guidelines: PP3, PP7, BP6

Literature cited by the submitters: PubMed 31965079.

NC_012920.1(MT-TV):m.1638T>C

Gene: MT-TV (mitochondrially encoded tRNA valine; plus strand).
Variant type: single nucleotide variant.
Genome position: chrM-1638-T-C.
Identifiers: ClinVar variation 689843 (VCV000689843.1), dbSNP rs1603218592, ClinGen allele CA913163349.